The following is an entry in ClinVar:

NM_003059.3(SLC22A4):c.710C>A (p.Thr237Lys)

Genes: MIR3936HG (MIR3936 host gene; minus strand), SLC22A4 (solute carrier family 22 member 4; plus strand). Cytogenetic location: 5q31.1.
Variant type: single nucleotide variant.
Coding change: c.710C>A on transcript NM_003059.3 (MANE Select); coding-DNA position 710, C replaced by A.
Protein change: p.Thr237Lys; replaces threonine 237 with lysine.
Molecular consequence: missense variant.
Genome position (GRCh38, 1-based): chr5:132,322,241, C>A. VCF-style: chr5-132322241-C-A. GRCh37 (hg19) VCF-style: chr5-131657934-C-A.
Other names: short protein forms T237K.
Identifiers: ClinVar variation 1447933 (VCV001447933.6), dbSNP rs2126722754, ClinGen allele CA360806138.
Genomic context (GRCh38, chr5:132,322,241, plus strand): 5'-CAGGAACAGAAATTCTTGGCAAGTCAGTTCGTATTATATTCTCTACATTAGGAGTGTGCA[C>A]ATTTTTTGCAGTTGGCTATATGCTGCTGCCACTGTTTGCTTACTTCATCAGAGACTGGCG-3'
Protein context (NP_003050.2, residues 227-247): RIIFSTLGVC[Thr237Lys]FFAVGYMLLP

ClinVar aggregate classification (germline): Uncertain significance (1 of 4 stars; one submission).

Submission:

Labcorp Genetics (formerly Invitae), Labcorp
Classification: Uncertain significance. Last evaluated: 2021-10-03. Review status: criteria provided, single submitter. Criteria: Invitae Variant Classification Sherloc (09022015). Collection method: clinical testing. Allele origin: germline.
Comment: This variant is not present in population databases (ExAC no frequency). This sequence change replaces threonine with lysine at codon 237 of the SLC22A4 protein (p.Thr237Lys). The threonine residue is weakly conserved and there is a moderate physicochemical difference between threonine and lysine. This variant has not been reported in the literature in individuals affected with SLC22A4-related conditions. Algorithms developed to predict the effect of missense changes on protein structure and function (SIFT, PolyPhen-2, Align-GVGD) all suggest that this variant is likely to be tolerated. In summary, the available evidence is currently insufficient to determine the role of this variant in disease. Therefore, it has been classified as a Variant of Uncertain Significance.